The following is an entry in ClinVar:

NM_003482.4(KMT2D):c.5687A>G (p.Lys1896Arg)

Gene: KMT2D (lysine methyltransferase 2D; minus strand). Cytogenetic location: 12q13.12.
Variant type: single nucleotide variant.
Coding change: c.5687A>G on transcript NM_003482.4 (MANE Select); coding-DNA position 5687, A replaced by G.
Protein change: p.Lys1896Arg; replaces lysine 1896 with arginine.
Molecular consequence: missense variant.
Genome position (GRCh38, 1-based): chr12:49,042,836, T>C on the plus strand (A>G on the coding strand, the complement: KMT2D is on the minus strand). VCF-style: chr12-49042836-T-C. GRCh37 (hg19) VCF-style: chr12-49436619-T-C.
Other names: short protein forms K1896R.
Identifiers: ClinVar variation 1499095 (VCV001499095.8), dbSNP rs2120560559, ClinGen allele CA384629171.

ClinVar aggregate classification (germline): Uncertain significance (1 of 4 stars; one submission).

Conditions:
Kabuki syndrome. Also called: Kabuki make-up syndrome; NIIKAWA-KUROKI SYNDROME. Identifiers: Orphanet 2322, MedGen C0796004, MONDO:0016512.

Allele frequency attached by ClinVar (database versions not stated): gnomAD exomes below 0.00001.
gnomAD v4.1: 1 of 1,613,972 alleles (0.000062%); highest among the groups gnomAD compares: Non-Finnish European, 0.000085%; no homozygotes.

Submission:

Labcorp Genetics (formerly Invitae), Labcorp
Classification: Uncertain significance for Kabuki syndrome. Last evaluated: 2022-06-24. Review status: criteria provided, single submitter. Criteria: Invitae Variant Classification Sherloc (09022015). Collection method: clinical testing. Allele origin: germline.
Comment: This variant is not present in population databases (gnomAD no frequency). In summary, the available evidence is currently insufficient to determine the role of this variant in disease. Therefore, it has been classified as a Variant of Uncertain Significance. Advanced modeling of protein sequence and biophysical properties (such as structural, functional, and spatial information, amino acid conservation, physicochemical variation, residue mobility, and thermodynamic stability) performed at Invitae indicates that this missense variant is not expected to disrupt KMT2D protein function. This variant has not been reported in the literature in individuals affected with KMT2D-related conditions. This sequence change replaces lysine, which is basic and polar, with arginine, which is basic and polar, at codon 1896 of the KMT2D protein (p.Lys1896Arg).